The following is an entry in ClinVar:

NM_005045.4(RELN):c.8029G>A (p.Ala2677Thr)

Gene: RELN (reelin; minus strand). Cytogenetic location: 7q22.1.
Variant type: single nucleotide variant.
Coding change: c.8029G>A on transcript NM_005045.4 (MANE Select); coding-DNA position 8029, G replaced by A.
Protein change: p.Ala2677Thr; replaces alanine 2677 with threonine.
Molecular consequence: missense variant.
Genome position (GRCh38, 1-based): chr7:103,515,275, C>T on the plus strand (G>A on the coding strand, the complement: RELN is on the minus strand). VCF-style: chr7-103515275-C-T. GRCh37 (hg19) VCF-style: chr7-103155722-C-T.
Other names: c.8029G>A, p.Ala2677Thr (NM_173054.3); short protein forms A2677T.
Identifiers: ClinVar variation 358385 (VCV000358385.16), dbSNP rs747571208, ClinGen allele CA4420584.

ClinVar aggregate classification (germline): Conflicting classifications of pathogenicity. Review status: criteria provided, conflicting classifications (1 of 4 stars). 3 submissions from 3 submitters: Uncertain significance (2); Likely benign (1). Last evaluated 2025-04-11.

Conditions:
Norman-Roberts syndrome (LIS2). Also called: Lissencephaly 2 (Norman-Roberts type). Identifiers: Orphanet 89844, MedGen C0796089, MONDO:0009760, OMIM 257320.
Familial temporal lobe epilepsy 7. Identifiers: Orphanet 101046, MedGen C4225327, MONDO:0014639, OMIM 616436.

Allele frequency attached by ClinVar (database versions not stated): gnomAD exomes 0.00001; gnomAD 0.00002; TOPMed 0.00003.
gnomAD v4.1: 15 of 1,614,042 alleles (0.00093%); highest among the groups gnomAD compares: Admixed American, 0.0033%; no homozygotes.

Submissions (3):

Labcorp Genetics (formerly Invitae), Labcorp
Classification: Likely benign for Familial temporal lobe epilepsy 7; Norman-Roberts syndrome. Last evaluated: 2025-04-11. Review status: criteria provided, single submitter. Criteria: Invitae Variant Classification Sherloc (09022015). Collection method: clinical testing. Allele origin: germline.

GeneDx
Classification: Uncertain significance. Last evaluated: 2024-10-22. Review status: criteria provided, single submitter. Criteria: GeneDx Variant Classification Process June 2021. Collection method: clinical testing. Allele origin: germline. Affected: yes.
Comment: Not observed at significant frequency in large population cohorts (gnomAD); In silico analysis indicates that this missense variant does not alter protein structure/function; Has not been previously published as pathogenic or benign to our knowledge

Illumina Laboratory Services, Illumina
Classification: Uncertain significance for Norman-Roberts syndrome. Last evaluated: 2018-01-12. Review status: criteria provided, single submitter. Criteria: ICSL Variant Classification Criteria 13 December 2019. Collection method: clinical testing. Allele origin: germline.